The following is an entry in ClinVar:

NM_001042681.2(RERE):c.3177G>A (p.Pro1059=)

Gene: RERE (arginine-glutamic acid dipeptide repeats; minus strand). Cytogenetic location: 1p36.23.
Variant type: single nucleotide variant.
Coding change: c.3177G>A on transcript NM_001042681.2 (MANE Select); coding-DNA position 3177, G replaced by A.
Protein change: p.Pro1059=; no amino-acid change (proline 1059 retained).
Molecular consequence: synonymous variant.
Genome position (GRCh38, 1-based): chr1:8,360,330, C>T on the plus strand (G>A on the coding strand, the complement: RERE is on the minus strand). VCF-style: chr1-8360330-C-T. GRCh37 (hg19) VCF-style: chr1-8420390-C-T.
Other names: c.1515G>A, p.Pro505= (NM_001042682.2); c.3177G>A, p.Pro1059= (NM_012102.4).
Identifiers: ClinVar variation 3388294 (VCV003388294.14).
Genomic context (GRCh38, chr1:8,360,330, plus strand): 5'-GCTGCCTCCTGAAGCCGCCGCACCAGAGCAGGGTGGCTGGGCCGAGGTGCCAGGTCCCGC[C>T]GGTGGGGTAGAGGTGGAGGGGCAGGTCGGAGGGGTGATGGGAGGAGGGCCTCCAGGGACA-3'
Protein context (NP_001036146.1, residues 1049-1069): PPTCPSTSTP[Pro1059=]AGPGTSAQPP

ClinVar aggregate classification (germline): Likely benign (1 of 4 stars; one submission).

gnomAD v4.1: 62 of 1,520,084 alleles (0.0041%); highest among the groups gnomAD compares: Admixed American, 0.035%; no homozygotes.

Submission:

CeGaT Center for Human Genetics Tuebingen
Classification: Likely benign. Last evaluated: 2024-11-01. Review status: criteria provided, single submitter. Criteria: CeGaT Center For Human Genetics Tuebingen Variant Classification Criteria Version 2. Collection method: clinical testing. Allele origin: germline. Affected: yes. Observed: 1 variant allele.
Comment: RERE: PP3, BS2